The following is an entry in ClinVar:

NM_032242.4(PLXNA1):c.3703G>A (p.Val1235Met)

Gene: PLXNA1 (plexin A1; plus strand). Cytogenetic location: 3q21.3.
Variant type: single nucleotide variant.
Coding change: c.3703G>A on transcript NM_032242.4 (MANE Select); coding-DNA position 3703, G replaced by A.
Protein change: p.Val1235Met; replaces valine 1235 with methionine.
Molecular consequence: missense variant.
Genome position (GRCh38, 1-based): chr3:127,018,336, G>A. VCF-style: chr3-127018336-G-A. GRCh37 (hg19) VCF-style: chr3-126737179-G-A.
Other names: short protein forms V1235M.
Identifiers: ClinVar variation 3356758 (VCV003356758.1).

ClinVar aggregate classification (germline): Uncertain significance (0 of 4 stars; one submission).

Conditions:
PLXNA1-related disorder. Also called: PLXNA1-related condition.

gnomAD v4.1: 1 of 1,612,502 alleles (0.000062%); highest among the groups gnomAD compares: African/African-American, 0.0013%; no homozygotes.

Submission:

PreventionGenetics, part of Exact Sciences
Classification: Uncertain significance for PLXNA1-related condition. Last evaluated: 2023-11-01. Review status: no assertion criteria provided. Collection method: clinical testing. Allele origin: germline.
Comment: The PLXNA1 c.3703G>A variant is predicted to result in the amino acid substitution p.Val1235Met. To our knowledge, this variant has not been reported in the literature. This variant is reported in 0.013% of alleles in individuals of African descent in gnomAD. At this time, the clinical significance of this variant is uncertain due to the absence of conclusive functional and genetic evidence.